The following is an entry in ClinVar:

ClinVar aggregate classification (germline): Benign. Review status: criteria provided, multiple submitters, no conflicts (2 of 4 stars). 3 submissions from 3 submitters: Benign (2). 1 of the submissions does not count toward it. Last evaluated 2016-03-29.

Conditions:
DNAH2-related disorder. Also called: DNAH2-related condition.

Allele frequency attached by ClinVar (database versions not stated): 1000 Genomes Project 0.17133; 1000 Genomes Project 30x 0.17146; TOPMed 0.26942; gnomAD 0.27578 and 0.28090; gnomAD exomes 0.27965 and 0.35159; ExAC 0.28049; ESP Exome Variant Server 0.30255.
gnomAD v4.1: 554,868 of 1,613,956 alleles (34%); highest among the groups gnomAD compares: Non-Finnish European, 39%; 103,051 homozygotes.

Submissions (3):

Laboratory for Molecular Medicine, Mass General Brigham Personalized Medicine
Classification: Benign. Last evaluated: 2016-03-29. Review status: criteria provided, single submitter. Criteria: LMM Criteria. Collection method: clinical testing. Allele origin: germline.
Comment: Variant identified in a genome or exome case(s) and assessed due to predicted null impact of the variant or pathogenic assertions in the literature or databases. Disclaimer: This variant has not undergone full assessment. The following are preliminary notes: Frequency

Breakthrough Genomics
Classification: Benign. Review status: criteria provided, single submitter. Criteria: ACMG Guidelines, 2015. Collection method: not provided. Allele origin: germline. Inheritance: Autosomal recessive inheritance. Affected: yes.

PreventionGenetics, part of Exact Sciences
Classification: Benign for DNAH2-related condition. Last evaluated: 2019-10-17. Review status: no assertion criteria provided. Collection method: clinical testing. Allele origin: germline. Not counted in ClinVar's aggregate classification.
Comment: This variant is classified as benign based on ACMG/AMP sequence variant interpretation guidelines (Richards et al. 2015 PMID: 25741868, with internal and published modifications).

NM_020877.5(DNAH2):c.10169+3G>A

Gene: DNAH2 (dynein axonemal heavy chain 2; plus strand). Cytogenetic location: 17p13.1.
Variant type: single nucleotide variant.
Coding change: c.10169+3G>A on transcript NM_020877.5 (MANE Select); 3 bases into the intron after coding-DNA position 10169, G replaced by A.
Molecular consequence: intron variant.
Genome position (GRCh38, 1-based): chr17:7,817,712, G>A. VCF-style: chr17-7817712-G-A. GRCh37 (hg19) VCF-style: chr17-7721030-G-A.
Other names: c.10169+3G>A (NM_020877.3).
Identifiers: ClinVar variation 402712 (VCV000402712.7), dbSNP rs872346, ClinGen allele CA8358957.